The following is an entry in ClinVar:

ClinVar aggregate classification (germline): Uncertain significance. Review status: criteria provided, multiple submitters, no conflicts (2 of 4 stars). 2 submissions from 2 submitters: Uncertain significance (2). Last evaluated 2024-11-19.

Allele frequency attached by ClinVar (database versions not stated): gnomAD 0.00001; gnomAD exomes 0.00001; ExAC 0.00002; TOPMed 0.00002.
gnomAD v4.1: 5 of 1,613,938 alleles (0.00031%); highest among the groups gnomAD compares: Admixed American, 0.0067%; no homozygotes.

Submissions (2):

Labcorp Genetics (formerly Invitae), Labcorp
Classification: Uncertain significance. Last evaluated: 2024-11-19. Review status: criteria provided, single submitter. Criteria: Invitae Variant Classification Sherloc (09022015). Collection method: clinical testing. Allele origin: germline.
Comment: This sequence change replaces leucine, which is neutral and non-polar, with phenylalanine, which is neutral and non-polar, at codon 532 of the RINT1 protein (p.Leu532Phe). This variant is present in population databases (rs760823101, gnomAD 0.01%). This variant has not been reported in the literature in individuals affected with RINT1-related conditions. ClinVar contains an entry for this variant (Variation ID: 1001741). An algorithm developed to predict the effect of missense changes on protein structure and function (PolyPhen-2) suggests that this variant is likely to be disruptive. In summary, the available evidence is currently insufficient to determine the role of this variant in disease. Therefore, it has been classified as a Variant of Uncertain Significance.

Ambry Genetics
Classification: Uncertain significance. Last evaluated: 2024-04-22. Review status: criteria provided, single submitter. Criteria: Ambry Variant Classification Scheme 2023. Collection method: clinical testing. Allele origin: germline.
Comment: The p.L532F variant (also known as c.1594C>T), located in coding exon 11 of the RINT1 gene, results from a C to T substitution at nucleotide position 1594. The leucine at codon 532 is replaced by phenylalanine, an amino acid with highly similar properties. This amino acid position is conserved. In addition, the in silico prediction for this alteration is inconclusive. Since supporting evidence is limited at this time, the clinical significance of this alteration remains unclear.

NM_021930.6(RINT1):c.1594C>T (p.Leu532Phe)

Gene: RINT1 (RAD50 interactor 1; plus strand). Cytogenetic location: 7q22.3.
Variant type: single nucleotide variant.
Coding change: c.1594C>T on transcript NM_021930.6 (MANE Select); coding-DNA position 1594, C replaced by T.
Protein change: p.Leu532Phe; replaces leucine 532 with phenylalanine.
Molecular consequence: missense variant.
Genome position (GRCh38, 1-based): chr7:105,555,150, C>T. VCF-style: chr7-105555150-C-T. GRCh37 (hg19) VCF-style: chr7-105195597-C-T.
Other names: c.1360C>T, p.Leu454Phe (NM_001346599.2); c.571C>T, p.Leu191Phe (NM_001346600.2, NM_001346603.2); c.670C>T, p.Leu224Phe (NM_001346601.2); short protein forms L191F, L224F, L454F, L532F.
Identifiers: ClinVar variation 1001741 (VCV001001741.12), dbSNP rs760823101, ClinGen allele CA4426713.
Genomic context (GRCh38, chr7:105,555,150, plus strand): 5'-TTAGTAGATGATTTTAGGATACGATTAACACAAGTGATGAAAGAAGAGACTAGAGCTTCC[C>T]TTGGCTTTCGATACTGTGCAATTCTTAATGCTGTGAACTACATCTCAACAGTACTAGCAG-3'
Protein context (NP_068749.3, residues 522-542): QVMKEETRAS[Leu532Phe]GFRYCAILNA